The following is an entry in ClinVar:

NM_000939.4(POMC):c.65_77del (p.Met22fs)

Gene: POMC (proopiomelanocortin; minus strand). Cytogenetic location: 2p23.3.
Variant type: Deletion.
Coding change: c.65_77del on transcript NM_000939.4 (MANE Select); coding-DNA positions 65 to 77, 13 bases deleted (TGGAAGTGCGTGG).
Protein change: p.Met22fs; shifts the reading frame from methionine 22.
Molecular consequence: frameshift variant.
Genome position (GRCh38, 1-based): chr2:25,164,696-25,164,708, CCACGCACTTCCA deleted on the plus strand (TGGAAGTGCGTGG on the coding strand, the reverse complement: POMC is on the minus strand). VCF-style (leftmost placement, unchanged base first): chr2-25164695-GCCACGCACTTCCA-G. GRCh37 (hg19) VCF-style: chr2-25387564-GCCACGCACTTCCA-G.
Other names: c.65_77del, p.Met22fs (NM_001035256.3, NM_001319204.2, NM_001319205.2); short protein forms M22fs.
Identifiers: ClinVar variation 4993678 (VCV004993678.1).
Genomic context (GRCh38, chr2:25,164,695, plus strand): 5'-ACGTACCAGCAGGTTGCTTTCCGTGGTGAGGTCCTGACACTGGCTGCTCTCCAGGCACCA[GCCACGCACTTCCA>G]TGGAGGCCTGAAGCAGCAAGGCCAGCAACAGGGCCCCCGAGCGGCTGCAGCACGATCTCG-3'

ClinVar aggregate classification (germline): Likely pathogenic (1 of 4 stars; one submission).

Conditions:
POMC-related disorder. Also called: POMC-related condition; POMC-related disorders.

Submission:

PreventionGenetics, part of Exact Sciences
Classification: Likely pathogenic for POMC-related condition. Last evaluated: 2026-08-25. Review status: criteria provided, single submitter. Criteria: ACMG Guidelines, 2015. Collection method: clinical testing. Allele origin: germline.
Comment: The POMC c.65_77del13 variant is predicted to result in a frameshift and premature protein termination (p.Met22Thrfs*45). To our knowledge, this variant has not been reported in the literature or in a large population database (gnomAD), indicating this variant is rare. Frameshift variants in POMC are expected to be pathogenic. This variant is interpreted as likely pathogenic.